The following is an entry in ClinVar:

ClinVar aggregate classification (germline): Uncertain significance. Review status: criteria provided, multiple submitters, no conflicts (2 of 4 stars). 3 submissions from 3 submitters: Uncertain significance (3). Last evaluated 2024-08-16.

Conditions:
Lymphatic malformation 6 (LMPHM6). Also called: PIEZO1-related generalized lymphatic dysplasia with non-immune hydrops fetalis; GENERALIZED LYMPHATIC DYSPLASIA OF FOTIOU; Lymphedema, hereditary, III. Identifiers: Orphanet 568062, MedGen C4225184, MONDO:0014797, OMIM 616843.
Inborn genetic diseases. Identifiers: MedGen C0950123, MeSH D030342.

Allele frequency attached by ClinVar (database versions not stated): gnomAD 0.00003; TOPMed 0.00003; ExAC 0.00005; gnomAD exomes 0.00010; 1000 Genomes Project 30x 0.00016.
gnomAD v4.1: 139 of 1,550,150 alleles (0.009%); highest among the groups gnomAD compares: Non-Finnish European, 0.012%; no homozygotes.

Submissions (3):

3billion
Classification: Uncertain significance for Lymphatic malformation 6. Last evaluated: 2024-08-16. Review status: criteria provided, single submitter. Criteria: ACMG Guidelines, 2015. Collection method: clinical testing. Allele origin: germline. Affected: yes.
Comment: The variant is observed at an extremely low frequency in the gnomAD v4.0.0 dataset (total allele frequency: 0.009%). Predicted Consequence/Location: Missense variant In silico tool predictions suggest no damaging effect of the variant on gene or gene product [REVEL: 0.17 (<0.4); 3Cnet: 0.11 (<0.15, specificity 0.78 and negative predictive value 0.92)]. The variant has been reported as of uncertain significance (ClinVar ID: VCV002206284). Therefore, this variant is classified as VUS according to the recommendation of ACMG/AMP guideline.

Clinical Genomics Laboratory, Washington University in St. Louis
Classification: Uncertain significance for Lymphatic malformation 6. Last evaluated: 2024-07-08. Review status: criteria provided, single submitter. Criteria: ACMG Guidelines, 2015. Collection method: clinical testing. Allele origin: germline.
Comment: A PIEZO1 c.2551C>T (p.Arg851Trp) variant was identified at a near heterozygous allelic fraction, which may be consistent with germline origin. This variant, to our knowledge, has not been reported in the medical literature and is observed on 139/1,550,150 alleles in the general population (gnomAD v.4.1.0). This variant has been reported in the ClinVar database as a variant of uncertain significance by one submitter (Clinvar ID: 2206284). Computational predictors indicate that this variant does not impact PIEZO1 function. Due to limited information, and based on ACMG/AMP guidelines for variant interpretation (Richards S et al., PMID: 25741868), the clinical significance of the PIEZO1 c.2551C>T (p.Arg851Trp) variant is uncertain at this time.

Ambry Genetics
Classification: Uncertain significance for Inborn genetic diseases. Last evaluated: 2021-10-12. Review status: criteria provided, single submitter. Criteria: Ambry Variant Classification Scheme 2023. Collection method: clinical testing. Allele origin: germline.

NM_001142864.4(PIEZO1):c.2551C>T (p.Arg851Trp)

Genes: HSALR1 (HSP90AB1 associated lncRNA 1; plus strand), PIEZO1 (piezo type mechanosensitive ion channel component 1 (Er blood group); minus strand). Cytogenetic location: 16q24.3.
Variant type: single nucleotide variant.
Coding change: c.2551C>T on transcript NM_001142864.4 (MANE Select); coding-DNA position 2551, C replaced by T.
Protein change: p.Arg851Trp; replaces arginine 851 with tryptophan.
Molecular consequence: missense variant.
Genome position (GRCh38, 1-based): chr16:88,733,391, G>A on the plus strand (C>T on the coding strand, the complement: PIEZO1 is on the minus strand). VCF-style: chr16-88733391-G-A. GRCh37 (hg19) VCF-style: chr16-88799799-G-A.
Other names: c.1093C>T, p.Arg365Trp (NM_014745.1); short protein forms R851W, R365W.
Identifiers: ClinVar variation 2206284 (VCV002206284.4), dbSNP rs768510250, ClinGen allele CA8232752.